The following is an entry in ClinVar:

ClinVar aggregate classification (germline): Benign. Review status: criteria provided, multiple submitters, no conflicts (2 of 4 stars). 2 submissions from 2 submitters: Benign (2). Last evaluated 2024-07-31.

Allele frequency attached by ClinVar (database versions not stated): TOPMed 0.67692; gnomAD 0.68148 and 0.69125; 1000 Genomes Project 30x 0.71002; 1000 Genomes Project 0.72005; gnomAD exomes 0.75277.
gnomAD v4.1: 1,125,857 of 1,508,088 alleles (75%); highest among the groups gnomAD compares: South Asian, 86%; 423,797 homozygotes.

Submissions (2):

Unidad de Genómica Garrahan, Hospital de Pediatría Garrahan
Classification: Benign. Last evaluated: 2024-07-31. Review status: criteria provided, single submitter. Criteria: ACMG Guidelines, 2015. Collection method: clinical testing. Allele origin: germline. Affected: no. Observed: 83 variant alleles.
Comment: This variant is classified as Benign based on local population frequency. This variant was detected in 89% of patients studied in a panel designed for Epileptic and Developmental Encephalopathy, Progressive Myoclonus Epilepsy and Abnormal Movements and Neurodegeneration with brain iron accumulation. Number of patients: 83. Only high quality variants are reported.

GeneDx
Classification: Benign. Last evaluated: 2018-06-23. Review status: criteria provided, single submitter. Criteria: GeneDx Variant Classification Process June 2021. Collection method: clinical testing. Allele origin: germline. Affected: yes.

NM_020442.6(VARS2):c.2467-77A>G

Gene: VARS2 (valyl-tRNA synthetase 2, mitochondrial; plus strand). Cytogenetic location: 6p21.33.
Variant type: single nucleotide variant.
Coding change: c.2467-77A>G on transcript NM_020442.6 (MANE Select); 77 bases into the intron before coding-DNA position 2467, A replaced by G.
Molecular consequence: intron variant.
Genome position (GRCh38, 1-based): chr6:30,924,277, A>G. VCF-style: chr6-30924277-A-G. GRCh37 (hg19) VCF-style: chr6-30892054-A-G.
Other names: c.2557-77A>G (NM_001167734.2); c.2047-77A>G (NM_001167733.3).
Identifiers: ClinVar variation 1292280 (VCV001292280.4), dbSNP rs2257347, ClinGen allele CA15477790.
Genomic context (GRCh38, chr6:30,924,277, plus strand): 5'-ATATCAGAAGTGCTAAGTGCTTCTGCCTGTCCCTCTCTCCCAGGACCCATGGCCTGCCCC[A>G]CTGGCGGGTAGCAGTGGCTGTAGGGAGGAGGGCTGTGGCCCTGGACCTGTCCTCTGACCA-3'